The following is an entry in ClinVar:

NM_177550.5(SLC13A5):c.208T>C (p.Phe70Leu)

Gene: SLC13A5 (solute carrier family 13 member 5; minus strand). Cytogenetic location: 17p13.1.
Variant type: single nucleotide variant.
Coding change: c.208T>C on transcript NM_177550.5 (MANE Select); coding-DNA position 208, T replaced by C.
Protein change: p.Phe70Leu; replaces phenylalanine 70 with leucine.
Molecular consequence: missense variant. On other transcripts: intron variant (1).
Genome position (GRCh38, 1-based): chr17:6,707,051, A>G on the plus strand (T>C on the coding strand, the complement: SLC13A5 is on the minus strand). VCF-style: chr17-6707051-A-G. GRCh37 (hg19) VCF-style: chr17-6610370-A-G.
Other names: c.208T>C, p.Phe70Leu (NM_001143838.3, NM_001284509.2); c.103-273T>C (NM_001284510.2); short protein forms F70L.
Identifiers: ClinVar variation 1494853 (VCV001494853.8), dbSNP rs1458426377, ClinGen allele CA397751407.

ClinVar aggregate classification (germline): Uncertain significance (1 of 4 stars; one submission).

Conditions:
Developmental and epileptic encephalopathy, 25 (DEE25). Also called: Epileptic encephalopathy, early infantile, 25, with amelogenesis imperfecta; Epileptic encephalopathy, early infantile, 25; Developmental and epileptic encephalopathy 25, with amelogenesis imperfecta. Identifiers: Orphanet 442835, MedGen C4014621, MONDO:0014392, OMIM 615905.

Allele frequency attached by ClinVar (database versions not stated): gnomAD exomes 0.00001.
gnomAD v4.1: 3 of 1,614,050 alleles (0.00019%); highest among the groups gnomAD compares: Admixed American, 0.005%; no homozygotes.

Submission:

Labcorp Genetics (formerly Invitae), Labcorp
Classification: Uncertain significance for Developmental and epileptic encephalopathy, 25. Last evaluated: 2021-03-31. Review status: criteria provided, single submitter. Criteria: Invitae Variant Classification Sherloc (09022015). Collection method: clinical testing. Allele origin: germline.
Comment: This sequence change replaces phenylalanine with leucine at codon 70 of the SLC13A5 protein (p.Phe70Leu). The phenylalanine residue is weakly conserved and there is a small physicochemical difference between phenylalanine and leucine. This variant is not present in population databases (ExAC no frequency). This variant has not been reported in the literature in individuals with SLC13A5-related conditions. Algorithms developed to predict the effect of missense changes on protein structure and function output the following: SIFT: "Tolerated"; PolyPhen-2: "Benign"; Align-GVGD: "Class C0". The leucine amino acid residue is found in multiple mammalian species, suggesting that this missense change does not adversely affect protein function. These predictions have not been confirmed by published functional studies and their clinical significance is uncertain. In summary, the available evidence is currently insufficient to determine the role of this variant in disease. Therefore, it has been classified as a Variant of Uncertain Significance.